The following is an entry in ClinVar:

ClinVar aggregate classification (germline): Uncertain significance. Review status: criteria provided, multiple submitters, no conflicts (2 of 4 stars). 3 submissions from 3 submitters: Uncertain significance (3). Last evaluated 2026-01-13.

Conditions:
Early-infantile DEE. Also called: Early infantile epileptic encephalopathy; Early infantile epileptic encephalopathy with suppression bursts; Ohtahara syndrome. Identifiers: Orphanet 1934, MedGen C0393706, MONDO:0800491.
Developmental and epileptic encephalopathy, 7 (DEE7). Also called: Early infantile epileptic encephalopathy 7; KCNQ2-Related Neonatal Epileptic Encephalopathy; KCNQ2-Related Neonatal-Onset Developmental and Epileptic Encephalopathy (NEO-DEE). Identifiers: Orphanet 439218, MedGen C3150986, MONDO:0013387, OMIM 613720.

Allele frequency attached by ClinVar (database versions not stated): ExAC below 0.00001; gnomAD exomes 0.00007 and 0.00010; gnomAD 0.00009 and 0.00011; TOPMed 0.00010.
gnomAD v4.1: 146 of 1,533,154 alleles (0.0095%); highest among the groups gnomAD compares: Admixed American, 0.029%; no homozygotes.

Submissions (9):

Labcorp Genetics (formerly Invitae), Labcorp
Classification: Uncertain significance for Early-infantile DEE. Last evaluated: 2026-01-13. Review status: criteria provided, single submitter. Criteria: Invitae Variant Classification Sherloc (09022015). Collection method: clinical testing. Allele origin: germline.
Comment: This sequence change replaces serine, which is neutral and polar, with leucine, which is neutral and non-polar, at codon 751 of the KCNQ2 protein (p.Ser751Leu). This variant is present in population databases (rs774002673, gnomAD 0.04%), and has an allele count higher than expected for a pathogenic variant. This variant has not been reported in the literature in individuals affected with KCNQ2-related conditions. ClinVar contains an entry for this variant (Variation ID: 339329). Invitae Evidence Modeling of protein sequence and biophysical properties (such as structural, functional, and spatial information, amino acid conservation, physicochemical variation, residue mobility, and thermodynamic stability) has been performed for this missense variant. However, the output from this modeling did not meet the statistical confidence thresholds required to predict the impact of this variant on KCNQ2 protein function. Experimental studies have shown that this missense change affects KCNQ2 function (PMID: 35104249). In summary, the available evidence is currently insufficient to determine the role of this variant in disease. Therefore, it has been classified as a Variant of Uncertain Significance.

Blueprint Genetics
Classification: Uncertain significance. Last evaluated: 2024-01-11. Review status: criteria provided, single submitter. Criteria: ACMG Guidelines, 2015. Collection method: clinical testing. Allele origin: germline.

New York Genome Center
Classification: Uncertain significance for Developmental and epileptic encephalopathy, 7. Last evaluated: 2020-07-03. Review status: criteria provided, single submitter. Criteria: NYGC Assertion Criteria 2020. Collection method: clinical testing. Allele origin: germline. Observed: 1 heterozygote. Study: CSER-NYCKidSeq.

Channelopathy-Associated Epilepsy Research Center
No classification provided (evidence only). Condition: Complex neurodevelopmental disorder. Review status: no classification provided. Collection method: literature only. Allele origin: not applicable. Functional consequence: Increase in peak current, Mild slowing of activation, Mild hyperpolarizing shift of voltage dependence of activation. Not counted in ClinVar's aggregate classification.
ClinVar note: "not provided" was previously submitted as the classification for the variant. However, the classification appeared to be based only on an observation of functional data so it was converted to no classification on 2025-07-30.

Channelopathy-Associated Epilepsy Research Center
No classification provided (evidence only). Review status: no classification provided. Collection method: in vitro. Allele origin: not applicable. Functional consequence: Increase in peak current. Not counted in ClinVar's aggregate classification.

Channelopathy-Associated Epilepsy Research Center
No classification provided (evidence only). Review status: no classification provided. Collection method: in vitro. Allele origin: not applicable. Functional consequence: Increase in peak current. Not counted in ClinVar's aggregate classification.

Channelopathy-Associated Epilepsy Research Center
No classification provided (evidence only). Review status: no classification provided. Collection method: in vitro. Allele origin: not applicable. Functional consequence: Normal voltage dependence of activation. Not counted in ClinVar's aggregate classification.

Channelopathy-Associated Epilepsy Research Center
No classification provided (evidence only). Review status: no classification provided. Collection method: in vitro. Allele origin: not applicable. Functional consequence: Normal slope of activation. Not counted in ClinVar's aggregate classification.

Channelopathy-Associated Epilepsy Research Center
No classification provided (evidence only). Review status: no classification provided. Collection method: in vitro. Allele origin: not applicable. Functional consequence: Normal rate of activation. Not counted in ClinVar's aggregate classification.

Literature cited by the submitters: PubMed 35104249 (cited by Labcorp Genetics (formerly Invitae), Labcorp and Channelopathy-Associated Epilepsy Research Center).

NM_172107.4(KCNQ2):c.2252C>T (p.Ser751Leu)

Gene: KCNQ2 (potassium voltage-gated channel subfamily Q member 2; minus strand). Cytogenetic location: 20q13.33.
Variant type: single nucleotide variant.
Coding change: c.2252C>T on transcript NM_172107.4 (MANE Select); coding-DNA position 2252, C replaced by T.
Protein change: p.Ser751Leu; replaces serine 751 with leucine.
Molecular consequence: missense variant.
Genome position (GRCh38, 1-based): chr20:63,407,011, G>A on the plus strand (C>T on the coding strand, the complement: KCNQ2 is on the minus strand). VCF-style: chr20-63407011-G-A. GRCh37 (hg19) VCF-style: chr20-62038364-G-A.
Other names: c.2168C>T, p.Ser723Leu (NM_004518.6); c.2198C>T, p.Ser733Leu (NM_172106.3); c.2159C>T, p.Ser720Leu (NM_172108.5); short protein forms S751L, S720L, S723L, S733L.
Identifiers: ClinVar variation 339329 (VCV000339329.14), dbSNP rs774002673, ClinGen allele CA9958116.